The following is an entry in ClinVar:

NM_004360.5(CDH1):c.2382C>T (p.Val794=)

Gene: CDH1 (cadherin 1; plus strand). Cytogenetic location: 16q22.1.
Variant type: single nucleotide variant.
Coding change: c.2382C>T on transcript NM_004360.5 (MANE Select); coding-DNA position 2382, C replaced by T.
Protein change: p.Val794=; no amino-acid change (valine 794 retained).
Molecular consequence: synonymous variant.
Genome position (GRCh38, 1-based): chr16:68,829,740, C>T. VCF-style: chr16-68829740-C-T. GRCh37 (hg19) VCF-style: chr16-68863643-C-T.
Other names: c.2382C>T (LRG_301t1); c.2199C>T, p.Val733= (NM_001317184.2); c.834C>T, p.Val278= (NM_001317185.2); c.417C>T, p.Val139= (NM_001317186.2).
Identifiers: ClinVar variation 187242 (VCV000187242.17), dbSNP rs786203579, ClinGen allele CA197134.
Genomic context (GRCh38, chr16:68,829,740, plus strand): 5'-GGGCCTGGACGCTCGGCCTGAAGTGACTCGTAACGACGTTGCACCAACCCTCATGAGTGT[C>T]CCCCGGTATCTTCCCCGCCCTGCCAATCCCGATGAAATTGGAAATTTTATTGATGAAGTA-3'
Protein context (NP_004351.1, residues 784-804): RNDVAPTLMS[Val794=]PRYLPRPANP

ClinVar aggregate classification (germline): Benign/Likely benign. Review status: criteria provided, multiple submitters, no conflicts (2 of 4 stars). 5 submissions from 5 submitters: Benign (1); Likely benign (4). Last evaluated 2025-07-31.

Conditions:
Hereditary cancer-predisposing syndrome. Also called: Hereditary Cancer Syndrome; Neoplastic Syndromes, Hereditary; Tumor predisposition; Hereditary neoplastic syndrome. Identifiers: Orphanet 140162, MedGen C0027672, MeSH D009386, MONDO:0015356.
Hereditary diffuse gastric adenocarcinoma (HDGC). Also called: DIFFUSE GASTRIC AND LOBULAR BREAST CANCER SYNDROME. Identifiers: Orphanet 26106, MedGen C1708349, MONDO:0007648, OMIM 137215.

Allele frequency attached by ClinVar (database versions not stated): TOPMed below 0.00001.

Submissions (5):

Labcorp Genetics (formerly Invitae), Labcorp
Classification: Likely benign for Hereditary diffuse gastric adenocarcinoma. Last evaluated: 2025-07-31. Review status: criteria provided, single submitter. Criteria: Invitae Variant Classification Sherloc (09022015). Collection method: clinical testing. Allele origin: germline.

Center for Genomic Medicine, Rigshospitalet, Copenhagen University Hospital
Classification: Likely benign. Last evaluated: 2025-03-04. Review status: criteria provided, single submitter. Criteria: ACMG Guidelines, 2015. Collection method: clinical testing. Allele origin: germline.
Comment: Classification criteria: BP4, BP7

Myriad Genetics, Inc.
Classification: Benign for Hereditary diffuse gastric adenocarcinoma. Last evaluated: 2024-09-23. Review status: criteria provided, single submitter. Criteria: Myriad Autosomal Dominant, Autosomal Recessive and X-Linked Classification Criteria (2023). Collection method: clinical testing. Allele origin: unknown.
Comment: This variant is considered benign. This variant is a silent/synonymous amino acid change and it is not expected to impact splicing.

Color Diagnostics, LLC DBA Color Health
Classification: Likely benign for Hereditary cancer-predisposing syndrome. Last evaluated: 2017-03-28. Review status: criteria provided, single submitter. Criteria: ACMG Guidelines, 2015. Collection method: clinical testing. Allele origin: germline.

Ambry Genetics
Classification: Likely benign for Hereditary cancer-predisposing syndrome. Last evaluated: 2014-11-28. Review status: criteria provided, single submitter. Criteria: Ambry Variant Classification Scheme 2023. Collection method: clinical testing. Allele origin: germline.